The following is an entry in ClinVar:

NM_001365951.3(KIF1B):c.2879A>G (p.His960Arg)

Genes: KIF1B (kinesin family member 1B; plus strand), LOC126805614 (BRD4-independent group 4 enhancer GRCh37_chr1:10385546-10386745; plus strand). Cytogenetic location: 1p36.22.
Variant type: single nucleotide variant.
Coding change: c.2879A>G on transcript NM_001365951.3 (MANE Select); coding-DNA position 2879, A replaced by G.
Protein change: p.His960Arg; replaces histidine 960 with arginine.
Molecular consequence: missense variant.
Genome position (GRCh38, 1-based): chr1:10,326,314, A>G. VCF-style: chr1-10326314-A-G. GRCh37 (hg19) VCF-style: chr1-10386372-A-G.
Other names: c.2879A>G, p.His960Arg (NM_001365952.1); c.2741A>G, p.His914Arg (NM_015074.3); short protein forms H914R, H960R.
Identifiers: ClinVar variation 1795439 (VCV001795439.3), dbSNP rs574463864, ClinGen allele CA581632.

ClinVar aggregate classification (germline): Uncertain significance (1 of 4 stars; one submission).

Allele frequency attached by ClinVar (database versions not stated): ExAC 0.00001; gnomAD 0.00001; gnomAD exomes 0.00001.
gnomAD v4.1: 15 of 1,614,044 alleles (0.00093%); highest among the groups gnomAD compares: Non-Finnish European, 0.0013%; no homozygotes.

Submission:

Ambry Genetics
Classification: Uncertain significance. Last evaluated: 2024-03-30. Review status: criteria provided, single submitter. Criteria: Ambry Variant Classification Scheme 2023. Collection method: clinical testing. Allele origin: germline.
Comment: The p.H914R variant (also known as c.2741A>G), located in coding exon 24 of the KIF1B gene, results from an A to G substitution at nucleotide position 2741. The histidine at codon 914 is replaced by arginine, an amino acid with highly similar properties. This amino acid position is not well conserved in available vertebrate species. In addition, this alteration is predicted to be tolerated by in silico analysis. Since supporting evidence is limited at this time, the clinical significance of this alteration remains unclear.